The following is an entry in ClinVar:

NC_012920.1(MT-CYB):m.14778T>C

Gene: MT-CYB (mitochondrially encoded cytochrome b; plus strand).
Variant type: single nucleotide variant.
Genome position: chrM-14778-T-C.
Identifiers: ClinVar variation 693762 (VCV000693762.1), dbSNP rs1603224879, ClinGen allele CA913172062.

ClinVar aggregate classification (germline): Uncertain significance (1 of 4 stars; one submission).

Conditions:
Leigh syndrome (NULS). Also called: Leigh's necrotizing encephalopathy; Leigh's disease; Leigh's syndrome; LEIGH SYNDROME, NUCLEAR; Leigh Syndrome (mtDNA deletion); Leigh Disease. Identifiers: Orphanet 506, MedGen C2931891, MONDO:0009723, OMIM 256000.

Submission:

Wong Mito Lab, Molecular and Human Genetics, Baylor College of Medicine
Classification: Uncertain significance for Leigh syndrome. Last evaluated: 2019-10-17. Review status: criteria provided, single submitter. Criteria: Modified ACMG Guidelines (Unpublished). Collection method: clinical testing. Allele origin: germline.
Comment: The NC_012920.1:m.14778T>C (YP_003024038.1:p.Met11Thr) variant in MTCYB gene is interpretated to be a Uncertain Significance variant based on the modified ACMG guidelines (unpublished). This variant meets the following evidence codes: PP6, PP7, BP4